The following is an entry in ClinVar:

ClinVar aggregate classification (germline): Pathogenic/Likely pathogenic. Review status: criteria provided, multiple submitters, no conflicts (2 of 4 stars). 7 submissions from 7 submitters: Pathogenic (3); Likely pathogenic (2). 2 of the submissions do not count toward it. Last evaluated 2025-12-12.

Conditions:
HEXB-related disorders.
Sandhoff disease. Also called: Beta-hexosaminidase-beta-subunit deficiency; GM2 gangliosidosis, type 2; Total hexosaminidase deficiency; Sandhoff-Jatzkewitz-Pilz disease; GM2-GANGLIOSIDOSIS, TYPE II; HEXOSAMINIDASES A AND B DEFICIENCY. Identifiers: Orphanet 796, MedGen C0036161, MONDO:0010006, OMIM 268800.
Sandhoff disease, chronic. Identifiers: MedGen C4310842.

Allele frequency attached by ClinVar (database versions not stated): ExAC 0.00002; gnomAD 0.00003 and 0.00004; TOPMed 0.00003; gnomAD exomes 0.00004.
gnomAD v4.1: 46 of 1,613,628 alleles (0.0029%); highest among the groups gnomAD compares: Admixed American, 0.017%; no homozygotes.

Submissions (7):

Natera, Inc.
Classification: Pathogenic for Sandhoff disease. Last evaluated: 2025-12-12. Review status: criteria provided, single submitter. Criteria: Natera Variant Classification Schema (03/2026). Collection method: clinical testing. Allele origin: germline.
Comment: The c.1510C>T variant in HEXB is a missense variant predicted to cause substitution of proline to serine at amino acid 504. This variant is rare in the general population with a frequency below the threshold expected for the associated phenotype(s). This variant has been observed in one or more individuals affected with the associated recessive disease, as either homozygous or compound heterozygous with a second variant (PMID: 34210542, 31995250, 9694901). Additionally, this variant has been observed to segregate in affected family members (PMID: 34210542, 9694901). Functional studies show that this variant may disrupt protein function (PMID: 9694901). Computational prediction algorithms indicate this variant is likely to affect gene or protein function. Given the available evidence, this variant is classified as Pathogenic.

Labcorp Genetics (formerly Invitae), Labcorp
Classification: Pathogenic for Sandhoff disease. Last evaluated: 2025-03-31. Review status: criteria provided, single submitter. Criteria: Invitae Variant Classification Sherloc (09022015). Collection method: clinical testing. Allele origin: germline.
Comment: This sequence change replaces proline, which is neutral and non-polar, with serine, which is neutral and polar, at codon 504 of the HEXB protein (p.Pro504Ser). This variant is present in population databases (rs121907985, gnomAD 0.02%). This missense change has been observed in individual(s) with Sandhoff disease (PMID: 9694901, 34210542). In at least one individual the data is consistent with being in trans (on the opposite chromosome) from a pathogenic variant. It has also been observed to segregate with disease in related individuals. ClinVar contains an entry for this variant (Variation ID: 3884). An algorithm developed to predict the effect of missense changes on protein structure and function (PolyPhen-2) suggests that this variant is likely to be disruptive. Experimental studies are conflicting or provide insufficient evidence to determine the effect of this variant on HEXB function (PMID: 9694901, 23127958). For these reasons, this variant has been classified as Pathogenic.

GeneDx
Classification: Likely pathogenic. Last evaluated: 2024-10-15. Review status: criteria provided, single submitter. Criteria: GeneDx Variant Classification Process June 2021. Collection method: clinical testing. Allele origin: germline. Affected: yes.
Comment: In silico analysis supports that this missense variant has a deleterious effect on protein structure/function; This variant is associated with the following publications: (PMID: 31589614, 34493867, 31995250, 2973515, 14724290, 17237499, 9694901, 34210542, 23127958)

Women's Health and Genetics/Laboratory Corporation of America, LabCorp
Classification: Pathogenic for Sandhoff disease. Last evaluated: 2024-08-02. Review status: criteria provided, single submitter. Criteria: LabCorp Variant Classification Summary - May 2015. Collection method: clinical testing. Allele origin: germline.
Comment: Variant summary: HEXB c.1510C>T (p.Pro504Ser) results in a non-conservative amino acid change located in the Glycoside hydrolase family 20, catalytic domain (IPR015883) of the encoded protein sequence. Five of five in-silico tools predict a damaging effect of the variant on protein function. Consensus agreement among computation tools predict no significant impact on normal splicing. However, these predictions have yet to be confirmed by functional studies. The variant allele was found at a frequency of 3.6e-05 in 251200 control chromosomes. c.1510C>T has been reported in the literature as compound heterozygous and homozygous genotypes in individuals affected with Sandhoff Disease (example, Hou_1998, Maegawa_2006, Tropak_2004, Alomso-Perez_2021, Masingue_2020, Blondel_2023). These data indicate that the variant is likely to be associated with disease. At least one publication reports experimental evidence evaluating an impact on protein function (Hou_1998). The most pronounced variant effect results in decreased level of heterodimer transport out of the endoplasmic reticulum by approx 45%, lowered heat stability, lowered ratio of units of ganglioside/ units of artificial substrate hydrolyzed, affects the ability of Hex A to hydrolyze its natural but not its artificial substrates. The following publications have been ascertained in the context of this evaluation (PMID: 34210542, 36709536, 9694901, 17237499, 31995250, 14724290, 23127958). ClinVar contains an entry for this variant (Variation ID: 3884). Based on the evidence outlined above, the variant was classified as pathogenic.

Blueprint Genetics
Classification: Likely pathogenic for HEXB-related disorders. Last evaluated: 2023-12-29. Review status: criteria provided, single submitter. Criteria: ACMG Guidelines, 2015. Collection method: clinical testing. Allele origin: germline. Affected: yes. Observed: 5 variant alleles.

OMIM
Classification: Pathogenic for SANDHOFF DISEASE, CHRONIC. Last evaluated: 1998-08-14. Review status: no assertion criteria provided. Collection method: literature only. Allele origin: germline. Not counted in ClinVar's aggregate classification.

Department of Pathology and Laboratory Medicine, Sinai Health System
Classification: Likely pathogenic for Sandhoff disease. Review status: no assertion criteria provided. Collection method: clinical testing. Allele origin: unknown. Affected: yes. Study: The Canadian Open Genetics Repository (COGR). Not counted in ClinVar's aggregate classification.
Comment: The HEXB c.1510C>T (p.Pro504Ser) variant was identified in the compound heterozygous state with the c.171delG (p.Trp57Cysfs7) variant in 1 individual with a history of muscle weakness and fasciculations in upper and lower limbs, and were confirmed to be in trans via sanger sequencing and segregation analysis (PMID: 34210542). The HEXB c.1510C>T has been previously reported to be associated with Sandhoff disease, as the variant decreases rate of heterodimer transport by approximately 45%, lowers heat stability, and impacts the ability of HEX A to hydrolyze its natural substrates (PMID: 9694901). The HEXB c.1510C>T (p.Pro504Ser) variant was identified in ClinVar (classified as likely pathogenic by Invitae, Natera Inc, and Women's Health and Genetics/Laboratory Corporation of America, LabCorp) and dbSNP (ID: rs121907985), but not COSMIC databases. The variant was identified in control databases in 10 of 282586 chromosomes (0 homozygous) at a frequency of 0.00003539, and was observed at the highest frequency in the Latino/Admixed American population in 8 of 35420 chromosomes (freq: 0.0002259) (Genome Aggregation Database November 15, 2022, v2.1.1). The p.Pro504 residue is conserved and computational analyses (MUT Assesor, PolyPhen-2, SIFT, MutationTaster, Revel, FATHMM, MetaLR, DANN) suggest that the variant may impact the protein; however, this information is not predictive enough to assume pathogenicity. The variant occurs outside of the splicing consensus sequence and in-silico or computational prediction software programs (Splice AI exome) do not predict a deleterious effect on splicing. In summary, based on the above information the clinical significance of this variant cannot be determined with certainty at this time although we would lean towards a more pathogenic role for this variant. This variant is classified as likely pathogenic.

Literature cited by the submitters: PubMed 34210542 (cited by 3 submitters); PubMed 31995250 (cited by Natera, Inc. and Women's Health and Genetics/Laboratory Corporation of America, LabCorp); PubMed 9694901 (cited by 4 submitters); PubMed 23127958 (cited by Labcorp Genetics (formerly Invitae), Labcorp and Women's Health and Genetics/Laboratory Corporation of America, LabCorp); PubMed 17237499 (cited by Women's Health and Genetics/Laboratory Corporation of America, LabCorp); PubMed 14724290 (cited by Women's Health and Genetics/Laboratory Corporation of America, LabCorp); PubMed 36709536 (cited by Women's Health and Genetics/Laboratory Corporation of America, LabCorp); PubMed 2973515 (cited by OMIM); PubMed 2147027 (cited by OMIM).

NM_000521.4(HEXB):c.1510C>T (p.Pro504Ser)

Gene: HEXB (hexosaminidase subunit beta; plus strand). Cytogenetic location: 5q13.3.
Variant type: single nucleotide variant.
Coding change: c.1510C>T on transcript NM_000521.4 (MANE Select); coding-DNA position 1510, C replaced by T.
Protein change: p.Pro504Ser; replaces proline 504 with serine.
Molecular consequence: missense variant.
Genome position (GRCh38, 1-based): chr5:74,720,644, C>T. VCF-style: chr5-74720644-C-T. GRCh37 (hg19) VCF-style: chr5-74016469-C-T.
Other names: c.835C>T, p.Pro279Ser (NM_001292004.2); short protein forms P504S, P279S.
Identifiers: ClinVar variation 3884 (VCV000003884.18), dbSNP rs121907985, ClinGen allele CA116493.